The following is an entry in ClinVar:

NM_006514.4(SCN10A):c.1723A>G (p.Ser575Gly)

Gene: SCN10A (sodium voltage-gated channel alpha subunit 10; minus strand). Cytogenetic location: 3p22.2.
Variant type: single nucleotide variant.
Coding change: c.1723A>G on transcript NM_006514.4 (MANE Select); coding-DNA position 1723, A replaced by G.
Protein change: p.Ser575Gly; replaces serine 575 with glycine.
Molecular consequence: missense variant. On other transcripts: intron variant (1).
Genome position (GRCh38, 1-based): chr3:38,752,251, T>C on the plus strand (A>G on the coding strand, the complement: SCN10A is on the minus strand). VCF-style: chr3-38752251-T-C. GRCh37 (hg19) VCF-style: chr3-38793742-T-C.
Other names: c.1723A>G, p.Ser575Gly (NM_001293306.2); c.1462-2067A>G (NM_001293307.2); short protein forms S575G.
Identifiers: ClinVar variation 1778811 (VCV001778811.7), dbSNP rs1356542268, ClinGen allele CA352167131.

ClinVar aggregate classification (germline): Uncertain significance. Review status: criteria provided, multiple submitters, no conflicts (2 of 4 stars). 2 submissions from 2 submitters: Uncertain significance (2). Last evaluated 2021-12-30.

Conditions:
Cardiovascular phenotype. Identifiers: MedGen CN230736.
Brugada syndrome. Also called: Sudden unexplained nocturnal death syndrome; Sudden unexpected nocturnal death syndrome; Sudden Unexplained Death Syndrome; Sudden Unexplained Nocturnal Death Syndrome (SUNDS). Identifiers: Orphanet 130, MedGen C1142166, MONDO:0015263.

Allele frequency attached by ClinVar (database versions not stated): TOPMed below 0.00001; gnomAD 0.00001; gnomAD exomes 0.00001.
gnomAD v4.1: 17 of 1,561,852 alleles (0.0011%); highest among the groups gnomAD compares: Non-Finnish European, 0.0014%; no homozygotes.

Submissions (2):

Labcorp Genetics (formerly Invitae), Labcorp
Classification: Uncertain significance for Brugada syndrome. Last evaluated: 2021-12-30. Review status: criteria provided, single submitter. Criteria: Invitae Variant Classification Sherloc (09022015). Collection method: clinical testing. Allele origin: germline.
Comment: This sequence change replaces serine, which is neutral and polar, with glycine, which is neutral and non-polar, at codon 575 of the SCN10A protein (p.Ser575Gly). This variant is present in population databases (no rsID available, gnomAD 0.007%). This variant has not been reported in the literature in individuals affected with SCN10A-related conditions. Advanced modeling of protein sequence and biophysical properties (such as structural, functional, and spatial information, amino acid conservation, physicochemical variation, residue mobility, and thermodynamic stability) performed at Invitae indicates that this missense variant is not expected to disrupt SCN10A protein function. Algorithms developed to predict the effect of sequence changes on RNA splicing suggest that this variant may create or strengthen a splice site. In summary, the available evidence is currently insufficient to determine the role of this variant in disease. Therefore, it has been classified as a Variant of Uncertain Significance.

Ambry Genetics
Classification: Uncertain significance for Cardiovascular phenotype. Last evaluated: 2020-06-04. Review status: criteria provided, single submitter. Criteria: Ambry Variant Classification Scheme 2023. Collection method: clinical testing. Allele origin: germline.
Comment: The p.S575G variant (also known as c.1723A>G), located in coding exon 11 of the SCN10A gene, results from an A to G substitution at nucleotide position 1723. The serine at codon 575 is replaced by glycine, an amino acid with similar properties. This amino acid position is poorly conserved in available vertebrate species. In addition, this alteration is predicted to be tolerated by in silico analysis. Since supporting evidence is limited at this time, the clinical significance of this alteration remains unclear.